The following is an entry in ClinVar:

ClinVar aggregate classification (germline): Uncertain significance (1 of 4 stars; one submission).

Conditions:
Isolated microphthalmia 5. Also called: Posterior Microphthalmia with Retinitis Pigmentosa, Foveoschisis, and Optic Disc Drusen. Identifiers: Orphanet 251279, MedGen C1970236, MONDO:0012605, OMIM 611040.

Allele frequency attached by ClinVar (database versions not stated): gnomAD exomes below 0.00001.
gnomAD v4.1: 6 of 1,613,862 alleles (0.00037%); highest among the groups gnomAD compares: Non-Finnish European, 0.00051%; no homozygotes.

Submission:

Labcorp Genetics (formerly Invitae), Labcorp
Classification: Uncertain significance for Isolated microphthalmia 5. Last evaluated: 2023-04-20. Review status: criteria provided, single submitter. Criteria: Invitae Variant Classification Sherloc (09022015). Collection method: clinical testing. Allele origin: germline.
Comment: This sequence change replaces glutamic acid, which is acidic and polar, with glycine, which is neutral and non-polar, at codon 41 of the MFRP protein (p.Glu41Gly). This variant is not present in population databases (gnomAD no frequency). This missense change has been observed in individual(s) with clinical features of MFRP-related conditions (Invitae). In at least one individual the data is consistent with being in trans (on the opposite chromosome) from a pathogenic variant. ClinVar contains an entry for this variant (Variation ID: 1880483). Advanced modeling of protein sequence and biophysical properties (such as structural, functional, and spatial information, amino acid conservation, physicochemical variation, residue mobility, and thermodynamic stability) performed at Invitae indicates that this missense variant is not expected to disrupt MFRP protein function. Algorithms developed to predict the effect of sequence changes on RNA splicing suggest that this variant may disrupt the consensus splice site. In summary, the available evidence is currently insufficient to determine the role of this variant in disease. Therefore, it has been classified as a Variant of Uncertain Significance.

NM_031433.4(MFRP):c.122A>G (p.Glu41Gly)

Genes: C1QTNF5 (C1q and TNF related 5; minus strand), MFRP (membrane frizzled-related protein; minus strand). Cytogenetic location: 11q23.3.
Variant type: single nucleotide variant.
Coding change: c.122A>G on transcript NM_031433.4 (MANE Select); coding-DNA position 122, A replaced by G.
Protein change: p.Glu41Gly; replaces glutamic acid 41 with glycine.
Molecular consequence: missense variant. On other transcripts: 5 prime UTR variant (1).
Genome position (GRCh38, 1-based): chr11:119,346,307, T>C on the plus strand (A>G on the coding strand, the complement: MFRP is on the minus strand). VCF-style: chr11-119346307-T-C. GRCh37 (hg19) VCF-style: chr11-119217017-T-C.
Other names: c.-2515A>G (NM_015645.5); short protein forms E41G.
Identifiers: ClinVar variation 1880483 (VCV001880483.4), dbSNP rs2497095140, ClinGen allele CA382979669.